The following is an entry in ClinVar:

NM_130466.4(UBE3B):c.2962G>A (p.Ala988Thr)

Gene: UBE3B (ubiquitin protein ligase E3B; plus strand). Cytogenetic location: 12q24.11.
Variant type: single nucleotide variant.
Coding change: c.2962G>A on transcript NM_130466.4 (MANE Select); coding-DNA position 2962, G replaced by A.
Protein change: p.Ala988Thr; replaces alanine 988 with threonine.
Molecular consequence: missense variant.
Genome position (GRCh38, 1-based): chr12:109,533,505, G>A. VCF-style: chr12-109533505-G-A. GRCh37 (hg19) VCF-style: chr12-109971310-G-A.
Other names: c.2962G>A, p.Ala988Thr (NM_183415.3); short protein forms A988T.
Identifiers: ClinVar variation 496688 (VCV000496688.6), dbSNP rs753221661, ClinGen allele CA6778385.
Genomic context (GRCh38, chr12:109,533,505, plus strand): 5'-TGACCCTGCTTTGTGTTGCAGTTCGTGACCAGCTGCTCCAGACCCCCGCTCCTGGGATTC[G>A]CCTACCTCAAGCCTCCATTCTCCATCCGCTGCGTGGAGGTGTCGGACGATCAGGTACCCC-3'
Protein context (NP_569733.2, residues 978-998): SCSRPPLLGF[Ala988Thr]YLKPPFSIRC

ClinVar aggregate classification (germline): Conflicting classifications of pathogenicity. Review status: criteria provided, conflicting classifications (1 of 4 stars). 2 submissions from 2 submitters: Uncertain significance (1); Likely benign (1). Last evaluated 2019-03-28.

Conditions:
Optic nerve hypoplasia. Identifiers: MedGen C0338502, HP:0000609.
Oculocerebrofacial syndrome, Kaufman type. Also called: Blepharophimosis-ptosis-intellectual disability syndrome. Identifiers: Orphanet 2707, MedGen C1855663, MONDO:0009485, OMIM 244450.

Allele frequency attached by ClinVar (database versions not stated): gnomAD 0.00005 and 0.00006; ExAC 0.00007; gnomAD exomes 0.00007; TOPMed 0.00010.
gnomAD v4.1: 114 of 1,613,908 alleles (0.0071%); highest among the groups gnomAD compares: Non-Finnish European, 0.0082%; no homozygotes.

Submissions (2):

Baylor Genetics
Classification: Uncertain significance for Oculocerebrofacial syndrome, Kaufman type. Last evaluated: 2019-03-28. Review status: criteria provided, single submitter. Criteria: ACMG Guidelines, 2015. Collection method: clinical testing. Allele origin: unknown. Affected: yes.
Comment: This variant was determined to be of uncertain significance according to ACMG Guidelines, 2015 [PMID:25741868].

Rare Disease Group, Clinical Genetics, Karolinska Institutet
Classification: Likely benign for Optic nerve hypoplasia. Review status: criteria provided, single submitter. Criteria: ACMG Guidelines, 2015. Collection method: research. Allele origin: maternal. Inheritance: Autosomal dominant inheritance. Affected: yes. Observed: 1 variant allele, 1 heterozygote.